The following is an entry in ClinVar:

NM_013447.4(ADGRE2):c.1351G>C (p.Ala451Pro)

Gene: ADGRE2 (adhesion G protein-coupled receptor E2; minus strand). Cytogenetic location: 19p13.12.
Variant type: single nucleotide variant.
Coding change: c.1351G>C on transcript NM_013447.4 (MANE Select); coding-DNA position 1351, G replaced by C.
Protein change: p.Ala451Pro; replaces alanine 451 with proline.
Molecular consequence: missense variant.
Genome position (GRCh38, 1-based): chr19:14,755,719, C>G on the plus strand (G>C on the coding strand, the complement: ADGRE2 is on the minus strand). VCF-style: chr19-14755719-C-G. GRCh37 (hg19) VCF-style: chr19-14866531-C-G.
Other names: c.1351G>C, p.Ala451Pro (NM_001271052.1); c.1204G>C, p.Ala402Pro (NM_152916.2); c.1072G>C, p.Ala358Pro (NM_152917.2); short protein forms A402P, A451P, A358P.
Identifiers: ClinVar variation 4778272 (VCV004778272.1).

ClinVar aggregate classification (germline): Uncertain significance (1 of 4 stars; one submission).

gnomAD v4.1: 8 of 1,614,166 alleles (0.0005%); highest among the groups gnomAD compares: Non-Finnish European, 0.00059%; no homozygotes.

Submission:

Labcorp Genetics (formerly Invitae), Labcorp
Classification: Uncertain significance. Last evaluated: 2025-12-15. Review status: criteria provided, single submitter. Criteria: Invitae Variant Classification Sherloc (09022015). Collection method: clinical testing. Allele origin: germline.
Comment: This sequence change replaces alanine, which is neutral and non-polar, with proline, which is neutral and non-polar, at codon 451 of the ADGRE2 protein (p.Ala451Pro). This variant is not present in population databases (gnomAD no frequency). This variant has not been reported in the literature in individuals affected with ADGRE2-related conditions. An algorithm developed to predict the effect of missense changes on protein structure and function (PolyPhen-2) suggests that this variant is likely to be disruptive. In summary, the available evidence is currently insufficient to determine the role of this variant in disease. Therefore, it has been classified as a Variant of Uncertain Significance.